The following is an entry in ClinVar:

NM_004004.6(GJB2):c.585G>A (p.Met195Ile)

Gene: GJB2 (gap junction protein beta 2; minus strand). Cytogenetic location: 13q12.11.
Variant type: single nucleotide variant.
Coding change: c.585G>A on transcript NM_004004.6 (MANE Select); coding-DNA position 585, G replaced by A.
Protein change: p.Met195Ile; replaces methionine 195 with isoleucine.
Molecular consequence: missense variant.
Genome position (GRCh38, 1-based): chr13:20,188,997, C>T on the plus strand (G>A on the coding strand, the complement: GJB2 is on the minus strand). VCF-style: chr13-20188997-C-T. GRCh37 (hg19) VCF-style: chr13-20763136-C-T.
Other names: short protein forms M195I.
Identifiers: ClinVar variation 438621 (VCV000438621.10), dbSNP rs570552952, ClinGen allele CA387460847.
Genomic context (GRCh38, chr13:20,188,997, plus strand): 5'-AATTAGCAAATAACACAATTCAGTGACATTCAGCAGGATGCAAATTCCAGACACTGCAAT[C>T]ATGAACACTGTGAAGACAGTCTTCTCCGTGGGCCGGGACACAAAGCAGTCCACAGTGTTG-3'
Protein context (NP_003995.2, residues 185-205): PTEKTVFTVF[Met195Ile]IAVSGICILL

ClinVar aggregate classification (germline): Conflicting classifications of pathogenicity. Review status: criteria provided, conflicting classifications (1 of 4 stars). 5 submissions from 5 submitters: Likely pathogenic (2); Uncertain significance (3). Last evaluated 2025-06-27.

Conditions:
Autosomal recessive nonsyndromic hearing loss 1A (DFNB1A). Also called: Connexin 26 deafness; Deafness nonsyndromic, Connexin 26 linked; Nonsyndromic Hearing Loss and Deafness, DFNB1; GJB2-Related Autosomal Recessive Nonsyndromic Hearing Loss; GJB6-Related DFNB 1 Nonsyndromic Hearing Loss and Deafness; Deafness, autosomal recessive 1A. Identifiers: Orphanet 90636, MedGen C2673759, MONDO:0009076, OMIM 220290.

Submissions (5):

Women's Health and Genetics/Laboratory Corporation of America, LabCorp
Classification: Uncertain significance. Last evaluated: 2025-06-27. Review status: criteria provided, single submitter. Criteria: LabCorp Variant Classification Summary - May 2015. Collection method: clinical testing. Allele origin: germline.
Comment: Variant summary: GJB2 c.585G>A (p.Met195Ile) results in a conservative amino acid change in the encoded protein sequence. Algorithms developed to predict the effect of missense changes on protein structure and function are either unavailable or do not agree on the potential impact of this missense change. The variant allele was found at a frequency of 4e-06 in 251340 control chromosomes. The available data on variant occurrences in the general population are insufficient to allow any conclusion about variant significance. c.585G>A and a different c. resulting in the same p. (c.585G>C) have been observed in the heterozygous state in at least 3 individual(s) affected with clinical features and/or a clinical diagnosis of Autosomal Dominant Non-Syndromic Hearing Loss (example, Vanniya_2018, Amritkumar_2018, Mani_2009, Hochman_2010). These data do not allow any conclusion about variant significance. Multiple variants have been classified as likely pathogenic/pathogenic at this codon, supporting the critical relevance of codon 195 to GJB2 protein function, however in all cases the apparent molecular mechanism was loss of function in conjunction with autosomal recessive inheritance. In contrast, the p.Met195Ile missense change appears exclusively associated with dominant inheritance (which is known to have a distinct molecular mechanism). To our knowledge, no experimental evidence demonstrating an impact on protein function has been reported. The following publications have been ascertained in the context of this evaluation (PMID: 22622578, 35186384, 29148562, 37892203, 28862181, 36472766, 29921236, 18941476, 20601923, 26749107, 23967136). ClinVar contains an entry for this variant (Variation ID: 438621). Based on the evidence outlined above, the variant was classified as uncertain significance.

Victorian Clinical Genetics Services, Murdoch Childrens Research Institute
Classification: Uncertain significance for Autosomal recessive nonsyndromic hearing loss 1A. Last evaluated: 2024-10-08. Review status: criteria provided, single submitter. Criteria: ACMG Guidelines, 2015. Collection method: clinical testing. Allele origin: germline. Inheritance: Autosomal recessive inheritance. Affected: yes.
Comment: Based on the classification scheme VCGS_Germline_v1.3.4, this variant is classified as a VUS-3A. Following criteria are met: 0102 - Loss of function is a known mechanism of disease in this gene and is associated with both deafness and skin conditions (OMIM). Dominant negative is also a suggested mechanism (PMID: 28428247). (I) 0108 - This gene is associated with both recessive and dominant disease. The autosomal dominant diseases are commonly associated with pathogenic missense variants. The autosomal recessive disease is associated with bi-allelic loss-of-function variants and includes missense and protein truncating variants (NIH Genetics Home Reference, PMID: 12792423). (I) 0112 - The condition associated with this gene has incomplete penetrance (PMID:31160754). (I) 0115 - Variants in this gene are known to have variable expressivity. Severity can range from mild to profound with intrafamilial variability also commonly seen. Commonly, truncating variants are associated to a more severe hearing loss (GeneReviews). (I) 0200 - Variant is predicted to result in a missense amino acid change from methionine to isoleucine. (I) 0251 - This variant is heterozygous. (I) 0304 - Alternative nucleotide changes, resulting in the same amino acid change are present in gnomAD v2 <0.01 (27 heterozygotes, 0 homozygotes). (SP) 0309 - Multiple alternative amino acid changes at the same position has been observed in gnomAD (v2) (highest allele count: 8 heterozygotes, 0 homozygotes). (I) 0501 - Missense variant consistently predicted to be damaging by multiple in silico tools and is highly conserved with a minor amino acid change. (SP) 0600 - Variant is located in the annotated connexin domain (DECIPHER). (I) 0701 - Other missense variants comparable to the one identified in this case have very strong previous evidence for pathogenicity. p.(Met195Leu) has been classified as likely pathogenic (ClinVar), and p.(Met195Thr) has also been classified likely pathogenic (ClinVar, Deafness Variation Database). Additionally, p.(Met195Val) has been classified as pathogenic, and likely pathogenic by an expert panel and has been identified compound heterozygous with another pathogenic variant in at least two unrelated families with non-syndromic hearing loss (ClinVar, Deafness Variation database, PMIDs: 33597575 and 24507663) (SP) 0808 - Previous reports of pathogenicity for this variant are conflicting. This variant and two alternative nucleotide changes resulting in the same amino acid substitution have been classified as likely pathogenic and VUS (ClinVar, Deafness variation database), and has been reported as a single heterozygous variant in individuals with and without hearing loss (PMIDs: 29921236, 20601923, 18941476, 29148562). (I) 1208 - Inheritance information for this variant is not currently available in this individual. (I) Legend: (SP) - Supporting pathogenic, (I) - Information, (SB) - Supporting benign

Labcorp Genetics (formerly Invitae), Labcorp
Classification: Likely pathogenic. Last evaluated: 2024-09-10. Review status: criteria provided, single submitter. Criteria: Invitae Variant Classification Sherloc (09022015). Collection method: clinical testing. Allele origin: germline.
Comment: This sequence change replaces methionine, which is neutral and non-polar, with isoleucine, which is neutral and non-polar, at codon 195 of the GJB2 protein (p.Met195Ile). This variant is not present in population databases (gnomAD no frequency). This missense change has been observed in individual(s) with autosomal recessive non-syndromic deafness (PMID: 29148562). This variant has been reported in individual(s) with clinical features of autosomal dominant non-syndromic deafness (PMID: 18941476, 20601923); however, the role of the variant in this condition is currently unclear. ClinVar contains an entry for this variant (Variation ID: 438621). Invitae Evidence Modeling of protein sequence and biophysical properties (such as structural, functional, and spatial information, amino acid conservation, physicochemical variation, residue mobility, and thermodynamic stability) indicates that this missense variant is expected to disrupt GJB2 protein function with a positive predictive value of 95%. This variant disrupts the p.Met195 amino acid residue in GJB2. Other variant(s) that disrupt this residue have been determined to be pathogenic (PMID: 20497192, 24013081, 30146550, 33597575). This suggests that this residue is clinically significant, and that variants that disrupt this residue are likely to be disease-causing. In summary, the currently available evidence indicates that the variant is pathogenic, but additional data are needed to prove that conclusively. Therefore, this variant has been classified as Likely Pathogenic.

Genomic Diagnostic Laboratory, Division of Genomic Diagnostics, Children's Hospital of Philadelphia
Classification: Uncertain significance for Deafness, autosomal recessive 1A. Last evaluated: 2017-05-09. Review status: criteria provided, single submitter. Criteria: DGD Variant Analysis Guidelines. Collection method: clinical testing. Allele origin: germline. Affected: yes. Observed: 1 variant allele.

Kariminejad - Najmabadi Pathology & Genetics Center
Classification: Likely pathogenic for Autosomal recessive nonsyndromic hearing loss 1A. Review status: criteria provided, single submitter. Criteria: ACMG Guidelines, 2015. Collection method: clinical testing. Allele origin: germline. Affected: no.

Literature cited by the submitters: PubMed 18941476 (cited by 3 submitters); PubMed 23967136 (cited by Women's Health and Genetics/Laboratory Corporation of America, LabCorp); PubMed 26749107 (cited by Women's Health and Genetics/Laboratory Corporation of America, LabCorp); PubMed 29148562 (cited by 3 submitters); PubMed 29921236 (cited by Women's Health and Genetics/Laboratory Corporation of America, LabCorp and Victorian Clinical Genetics Services, Murdoch Childrens Research Institute); PubMed 20601923 (cited by 3 submitters); PubMed 36472766 (cited by Women's Health and Genetics/Laboratory Corporation of America, LabCorp); PubMed 37892203 (cited by Women's Health and Genetics/Laboratory Corporation of America, LabCorp); PubMed 22622578 (cited by Women's Health and Genetics/Laboratory Corporation of America, LabCorp); PubMed 28862181 (cited by Women's Health and Genetics/Laboratory Corporation of America, LabCorp); PubMed 35186384 (cited by Women's Health and Genetics/Laboratory Corporation of America, LabCorp); PubMed 12792423 (cited by Victorian Clinical Genetics Services, Murdoch Childrens Research Institute); PubMed 24507663 (cited by Victorian Clinical Genetics Services, Murdoch Childrens Research Institute); PubMed 28428247 (cited by Victorian Clinical Genetics Services, Murdoch Childrens Research Institute); PubMed 31160754 (cited by Victorian Clinical Genetics Services, Murdoch Childrens Research Institute); PubMed 33597575 (cited by Victorian Clinical Genetics Services, Murdoch Childrens Research Institute and Labcorp Genetics (formerly Invitae), Labcorp); PubMed 20497192 (cited by Labcorp Genetics (formerly Invitae), Labcorp); PubMed 24013081 (cited by Labcorp Genetics (formerly Invitae), Labcorp); PubMed 30146550 (cited by Labcorp Genetics (formerly Invitae), Labcorp).